The following is an entry in ClinVar:

NM_003072.5(SMARCA4):c.3774+3G>A

Gene: SMARCA4 (SWI/SNF related BAF chromatin remodeling complex subunit ATPase 4; plus strand). Cytogenetic location: 19p13.2.
Variant type: single nucleotide variant.
Coding change: c.3774+3G>A on transcript NM_003072.5 (MANE Select); 3 bases into the intron after coding-DNA position 3774, G replaced by A.
Molecular consequence: intron variant.
Genome position (GRCh38, 1-based): chr19:11,033,520, G>A. VCF-style: chr19-11033520-G-A. GRCh37 (hg19) VCF-style: chr19-11144196-G-A.
Other names: c.3774+3G>A (NM_001128844.3, NM_001128849.3, NM_001128847.4 and 6 more transcripts).
Identifiers: ClinVar variation 2587117 (VCV002587117.2), dbSNP rs1600390925, ClinGen allele CA2582342940.

ClinVar aggregate classification (germline): Uncertain significance (1 of 4 stars; one submission).

Conditions:
Hereditary cancer-predisposing syndrome. Also called: Tumor predisposition; Hereditary Cancer Syndrome; Hereditary neoplastic syndrome; Neoplastic Syndromes, Hereditary. Identifiers: Orphanet 140162, MedGen C0027672, MeSH D009386, MONDO:0015356.

Allele frequency attached by ClinVar (database versions not stated): gnomAD exomes below 0.00001.
gnomAD v4.1: 1 of 1,611,008 alleles (0.000062%); highest among the groups gnomAD compares: Non-Finnish European, 0.000085%; no homozygotes.

Submission:

Ambry Genetics
Classification: Uncertain significance for Hereditary cancer-predisposing syndrome. Last evaluated: 2023-07-09. Review status: criteria provided, single submitter. Criteria: Ambry Variant Classification Scheme 2023. Collection method: clinical testing. Allele origin: germline.
Comment: The c.3774+3G>A intronic variant results from a G to A substitution 3 nucleotides after coding exon 25 in the SMARCA4 gene. This nucleotide position is well conserved in available vertebrate species. In silico splice site analysis predicts that this alteration will not have any significant effect on splicing. Since supporting evidence is limited at this time, the clinical significance of this alteration remains unclear.